The following is an entry in ClinVar:

NM_001385641.1(SAMD11):c.1359-9C>A

Gene: SAMD11 (sterile alpha motif domain containing 11; plus strand). Cytogenetic location: 1p36.33.
Variant type: single nucleotide variant.
Coding change: c.1359-9C>A on transcript NM_001385641.1 (MANE Select); 9 bases into the intron before coding-DNA position 1359, C replaced by A.
Molecular consequence: intron variant.
Genome position (GRCh38, 1-based): chr1:942,127, C>A. VCF-style: chr1-942127-C-A. GRCh37 (hg19) VCF-style: chr1-877507-C-A.
Other names: c.1362-9C>A (NM_001385640.1); c.870-9C>A (NM_152486.4).
Identifiers: ClinVar variation 1413101 (VCV001413101.6), dbSNP rs530087426, ClinGen allele CA502867.

ClinVar aggregate classification (germline): Uncertain significance (1 of 4 stars; one submission).

gnomAD v4.1: 48 of 1,154,890 alleles (0.0042%); highest among the groups gnomAD compares: Non-Finnish European, 0.0053%; no homozygotes.

Submission:

Labcorp Genetics (formerly Invitae), Labcorp
Classification: Uncertain significance. Last evaluated: 2022-07-11. Review status: criteria provided, single submitter. Criteria: Invitae Variant Classification Sherloc (09022015). Collection method: clinical testing. Allele origin: germline.
Comment: In summary, the available evidence is currently insufficient to determine the role of this variant in disease. Therefore, it has been classified as a Variant of Uncertain Significance. Algorithms developed to predict the effect of sequence changes on RNA splicing suggest that this variant may disrupt the consensus splice site. ClinVar contains an entry for this variant (Variation ID: 1413101). This variant has not been reported in the literature in individuals affected with SAMD11-related conditions. The frequency data for this variant in the population databases is considered unreliable, as metrics indicate poor data quality at this position in the gnomAD database. This sequence change falls in intron 8 of the SAMD11 gene. It does not directly change the encoded amino acid sequence of the SAMD11 protein.